The following is an entry in ClinVar:

NM_001164277.2(SLC37A4):c.321G>A (p.Trp107Ter)

Gene: SLC37A4 (solute carrier family 37 member 4; minus strand). Cytogenetic location: 11q23.3.
Variant type: single nucleotide variant.
Coding change: c.321G>A on transcript NM_001164277.2 (MANE Select); coding-DNA position 321, G replaced by A.
Protein change: p.Trp107Ter; replaces tryptophan 107 with a stop codon.
Molecular consequence: nonsense.
Genome position (GRCh38, 1-based): chr11:119,028,254, C>T on the plus strand (G>A on the coding strand, the complement: SLC37A4 is on the minus strand). VCF-style: chr11-119028254-C-T. GRCh37 (hg19) VCF-style: chr11-118898964-C-T.
Other names: c.321G>A, p.Trp107Ter (NM_001164278.2, NM_001164280.2, NM_001467.6); c.102G>A, p.Trp34Ter (NM_001164279.2); short protein forms W107*, W34*.
Identifiers: ClinVar variation 4061738 (VCV004061738.2).

ClinVar aggregate classification (germline): Pathogenic (1 of 4 stars; one submission).

Conditions:
Glucose-6-phosphate transport defect (GSD1B). Also called: Glycogen Storage Disease Type Ib; GSD Ib. Identifiers: Orphanet 364, Orphanet 79259, MedGen C0268146, MONDO:0009288, OMIM 232220.

Submission:

Natera, Inc.
Classification: Pathogenic for Glycogen storage disease type Ib. Last evaluated: 2025-05-02. Review status: criteria provided, single submitter. Criteria: Natera Variant Classification Schema (03/2026). Collection method: clinical testing. Allele origin: germline.
Comment: The c.321G>A variant in SLC37A4 is a nonsense variant predicted to introduce a stop codon at amino acid 107. This variant is expected to result in nonsense mediated decay, truncation, or a dysfunctional protein product. This variant is rare in the general population with a frequency below the threshold expected for the associated phenotype(s). This variant has been observed in one or more individuals affected with the associated recessive disease, as either homozygous or compound heterozygous with a second variant (PMID: 40009380). Given the available evidence, this variant is classified as Pathogenic.

Literature cited by the submitters: PubMed 40009380.